The following is an entry in ClinVar:

NM_003824.4(FADD):c.452C>T (p.Thr151Ile)

Gene: FADD (Fas associated via death domain; plus strand). Cytogenetic location: 11q13.3.
Variant type: single nucleotide variant.
Coding change: c.452C>T on transcript NM_003824.4 (MANE Select); coding-DNA position 452, C replaced by T.
Protein change: p.Thr151Ile; replaces threonine 151 with isoleucine.
Molecular consequence: missense variant.
Genome position (GRCh38, 1-based): chr11:70,206,298, C>T. VCF-style: chr11-70206298-C-T. GRCh37 (hg19) VCF-style: chr11-70052404-C-T.
Other names: short protein forms T151I.
Identifiers: ClinVar variation 575179 (VCV000575179.7), dbSNP rs150178083, ClinGen allele CA6158486.
Genomic context (GRCh38, chr11:70,206,298, plus strand): 5'-ACAGATACCCCCGCAACCTGACAGAGCGTGTGCGGGAGTCACTGAGAATCTGGAAGAACA[C>T]AGAGAAGGAGAACGCAACAGTGGCCCACCTGGTGGGGGCTCTCAGGTCCTGCCAGATGAA-3'
Protein context (NP_003815.1, residues 141-161): VRESLRIWKN[Thr151Ile]EKENATVAHL

ClinVar aggregate classification (germline): Uncertain significance. Review status: criteria provided, multiple submitters, no conflicts (2 of 4 stars). 2 submissions from 2 submitters: Uncertain significance (2). Last evaluated 2022-08-16.

Conditions:
FADD-related immunodeficiency. Also called: FADD DEFICIENCY; Infections, recurrent, with encephalopathy, hepatic dysfunction, and cardiovascular malformations. Identifiers: Orphanet 306550, MedGen C3151062, MONDO:0013408, OMIM 613759.

Allele frequency attached by ClinVar (database versions not stated): ExAC 0.00004; TOPMed 0.00007; ESP Exome Variant Server 0.00008; gnomAD exomes 0.00008 and 0.00010; gnomAD 0.00009 and 0.00011.
gnomAD v4.1: 158 of 1,614,050 alleles (0.0098%); highest among the groups gnomAD compares: Non-Finnish European, 0.012%; no homozygotes.

Submissions (2):

Labcorp Genetics (formerly Invitae), Labcorp
Classification: Uncertain significance for FADD-related immunodeficiency. Last evaluated: 2022-08-16. Review status: criteria provided, single submitter. Criteria: Invitae Variant Classification Sherloc (09022015). Collection method: clinical testing. Allele origin: germline.
Comment: This sequence change replaces threonine, which is neutral and polar, with isoleucine, which is neutral and non-polar, at codon 151 of the FADD protein (p.Thr151Ile). This variant is present in population databases (rs150178083, gnomAD 0.01%). This variant has not been reported in the literature in individuals affected with FADD-related conditions. ClinVar contains an entry for this variant (Variation ID: 575179). Algorithms developed to predict the effect of missense changes on protein structure and function output the following: SIFT: "Tolerated"; PolyPhen-2: "Benign"; Align-GVGD: "Class C0". The isoleucine amino acid residue is found in multiple mammalian species, which suggests that this missense change does not adversely affect protein function. In summary, the available evidence is currently insufficient to determine the role of this variant in disease. Therefore, it has been classified as a Variant of Uncertain Significance.

Breakthrough Genomics
Classification: Uncertain significance. Review status: criteria provided, single submitter. Criteria: ACMG Guidelines, 2015. Collection method: not provided. Allele origin: germline. Inheritance: Autosomal recessive inheritance. Affected: yes.